The following is an entry in ClinVar:

NM_201384.3(PLEC):c.7220G>A (p.Arg2407Gln)

Gene: PLEC (plectin; minus strand). Cytogenetic location: 8q24.3.
Variant type: single nucleotide variant.
Coding change: c.7220G>A on transcript NM_201384.3 (MANE Select); coding-DNA position 7220, G replaced by A.
Protein change: p.Arg2407Gln; replaces arginine 2407 with glutamine.
Molecular consequence: missense variant.
Genome position (GRCh38, 1-based): chr8:143,922,709, C>T on the plus strand (G>A on the coding strand, the complement: PLEC is on the minus strand). VCF-style: chr8-143922709-C-T. GRCh37 (hg19) VCF-style: chr8-144996877-C-T.
Other names: c.7301G>A, p.Arg2434Gln (NM_000445.5); c.7178G>A, p.Arg2393Gln (NM_201378.4); c.7154G>A, p.Arg2385Gln (NM_201379.3); c.7631G>A, p.Arg2544Gln (NM_201380.4); c.7124G>A, p.Arg2375Gln (NM_201381.3); c.7220G>A, p.Arg2407Gln (NM_201382.4); c.7232G>A, p.Arg2411Gln (NM_201383.3); short protein forms R2407Q, R2411Q, R2544Q, R2375Q, R2393Q, R2385Q, R2434Q.
Identifiers: ClinVar variation 284510 (VCV000284510.21), dbSNP rs782618396, ClinGen allele CA4925722.

ClinVar aggregate classification (germline): Conflicting classifications of pathogenicity. Review status: criteria provided, conflicting classifications (1 of 4 stars). 6 submissions from 6 submitters: Uncertain significance (2); Likely benign (3). 1 of the submissions does not count toward it. Last evaluated 2025-01-06.

Conditions:
PLEC-related disorder. Also called: PLEC-related condition; PLEC-related disorders.
Autosomal recessive limb-girdle muscular dystrophy type 2Q (LGMDR17). Also called: MUSCULAR DYSTROPHY, LIMB-GIRDLE, AUTOSOMAL RECESSIVE 17. Identifiers: Orphanet 254361, MedGen C3150989, MONDO:0013390, OMIM 613723.
Epidermolysis bullosa simplex 5B, with muscular dystrophy (EBS5B). Also called: EPIDERMOLYSIS BULLOSA SIMPLEX AND LIMB-GIRDLE MUSCULAR DYSTROPHY; Epidermolysis bullosa simplex with muscular dystrophy. Identifiers: Orphanet 257, MedGen C2931072, MONDO:0009181, OMIM 226670.
Epidermolysis bullosa simplex with nail dystrophy (EBS5D). Identifiers: MedGen C4225309, MONDO:0014661, OMIM 616487.
Epidermolysis bullosa simplex 5C, with pyloric atresia (EBS5C). Also called: PLEC-Related Epidermolysis Bullosa with Pyloric Atresia; PLEC1-Related Epidermolysis Bullosa with Pyloric Atresia; Epidermolysis bullosa simplex with pyloric atresia. Identifiers: Orphanet 158684, MedGen C2677349, MONDO:0012807, OMIM 612138.
Epidermolysis bullosa simplex, Ogna type (EBS5A). Also called: Pidermolysis bullosa simplex 5A, Ogna type; EPIDERMOLYSIS BULLOSA SIMPLEX 5A, OGNA TYPE. Identifiers: Orphanet 79401, MedGen C0432317, MONDO:0007555, OMIM 131950.

Allele frequency attached by ClinVar (database versions not stated): gnomAD 0.00003; TOPMed 0.00014; ExAC 0.00018.
gnomAD v4.1: 188 of 1,612,386 alleles (0.012%); highest among the groups gnomAD compares: South Asian, 0.088%; no homozygotes.

Submissions (6):

Labcorp Genetics (formerly Invitae), Labcorp
Classification: Uncertain significance for Autosomal recessive limb-girdle muscular dystrophy type 2Q; Epidermolysis bullosa simplex, Ogna type; Epidermolysis bullosa simplex with nail dystrophy; Epidermolysis bullosa simplex 5C, with pyloric atresia; Epidermolysis bullosa simplex 5B, with muscular dystrophy. Last evaluated: 2025-01-06. Review status: criteria provided, single submitter. Criteria: Invitae Variant Classification Sherloc (09022015). Collection method: clinical testing. Allele origin: germline.
Comment: This sequence change replaces arginine, which is basic and polar, with glutamine, which is neutral and polar, at codon 2434 of the PLEC protein (p.Arg2434Gln). This variant is present in population databases (rs782618396, gnomAD 0.06%). This variant has not been reported in the literature in individuals affected with PLEC-related conditions. ClinVar contains an entry for this variant (Variation ID: 284510). An algorithm developed to predict the effect of missense changes on protein structure and function (PolyPhen-2) suggests that this variant is likely to be disruptive. In summary, the available evidence is currently insufficient to determine the role of this variant in disease. Therefore, it has been classified as a Variant of Uncertain Significance.

Blueprint Genetics
Classification: Likely benign. Last evaluated: 2024-02-09. Review status: criteria provided, single submitter. Criteria: ACMG Guidelines, 2015. Collection method: clinical testing. Allele origin: germline.

Revvity Omics, Revvity
Classification: Likely benign. Last evaluated: 2023-12-01. Review status: criteria provided, single submitter. Criteria: ACMG Guidelines, 2015. Collection method: clinical testing. Allele origin: germline.

GeneDx
Classification: Likely benign. Last evaluated: 2019-10-01. Review status: criteria provided, single submitter. Criteria: GeneDx Variant Classification Process June 2021. Collection method: clinical testing. Allele origin: germline. Affected: yes.
Comment: This variant is associated with the following publications: (PMID: 32707200)

Eurofins Ntd Llc (ga)
Classification: Uncertain significance. Last evaluated: 2017-04-05. Review status: criteria provided, single submitter. Criteria: EGL Classification Definitions 2015. Collection method: clinical testing. Allele origin: germline. Observed: 4 variant alleles, 4 heterozygotes.

PreventionGenetics, part of Exact Sciences
Classification: Uncertain significance for PLEC-related condition. Last evaluated: 2024-02-03. Review status: no assertion criteria provided. Collection method: clinical testing. Allele origin: germline. Not counted in ClinVar's aggregate classification.
Comment: The PLEC c.7301G>A variant is predicted to result in the amino acid substitution p.Arg2434Gln. To our knowledge, this variant has not been reported in the literature in patients with PLEC-related disorders. This variant is reported in 0.059% of alleles in individuals of South Asian descent in gnomAD. Although we suspect that this variant may be benign, at this time, the clinical significance of this variant is uncertain due to the absence of conclusive functional and genetic evidence.